The following is an entry in ClinVar:

ClinVar aggregate classification (germline): Uncertain significance (1 of 4 stars; one submission).

Submission:

Women's Health and Genetics/Laboratory Corporation of America, LabCorp
Classification: Uncertain significance. Last evaluated: 2024-06-06. Review status: criteria provided, single submitter. Criteria: LabCorp Variant Classification Summary - May 2015. Collection method: clinical testing. Allele origin: germline.
Comment: Variant summary: The variant involves a whole gene deletion of the JAK2 gene involving exons 1-25. A presumed nomenclature of c.(?_-468)_(*3158_?)del has been designated for the purposes of this classification. This deletion includes the entire coding sequence of the gene. As the exact proximal and distal breakpoints are unknown, it may extend beyond the annotated region of the gene to include other flanking genes. However, current evidence is not sufficient to establish whether loss-of-function variants in the gene cause disease. A deletion that corresponds to exons 1-25 of the JAK2 gene (Size: ~222.8 kbp) was found at a frequency of 8.3e-06 in 120780 control chromosomes (i.e. in 1 allele) in the gnomAD database (Structural Variants v4.1 dataset). To our knowledge, no occurrence of c.(?_-468)_(*3158_?)del in individuals affected with JAK2-Related Disorders and no experimental evidence demonstrating its impact on protein function have been reported. No submitters have cited clinical-significance assessments for this variant to ClinVar. Based on the evidence outlined above, the variant was classified as uncertain significance.

NC_000009.11:g.(?_4985271)_(5129949_?)del

Gene: JAK2 (Janus kinase 2; plus strand). Cytogenetic location: 9p24.1.
Variant type: Deletion.
Identifiers: ClinVar variation 3339703 (VCV003339703.1).